The following is an entry in ClinVar:

NM_000051.4(ATM):c.8823_8824del (p.Gln2942fs)

Genes: ATM (ATM serine/threonine kinase; plus strand), C11orf65 (chromosome 11 open reading frame 65; minus strand). Cytogenetic location: 11q22.3.
Variant type: Microsatellite.
Coding change: c.8823_8824del on transcript NM_000051.4 (MANE Select); coding-DNA positions 8823 to 8824, 2 bases deleted (TC; older notation c.8823_8824delTC).
Protein change: p.Gln2942fs; shifts the reading frame from glutamine 2942.
Molecular consequence: frameshift variant. On other transcripts: intron variant (2).
Genome position (GRCh38, 1-based): chr11:108,354,847-108,354,848, TC deleted; deleting any 2 consecutive bases within chr11:108,354,844-108,354,848 gives the same sequence; the c. name uses the placement nearest the transcript's 3' end. VCF-style (leftmost placement, unchanged base first): chr11-108354843-ACT-A. GRCh37 (hg19) VCF-style: chr11-108225570-ACT-A.
Other names: c.8823_8824delTC (NM_000051.3, NM_000051.4); c.8823_8824del (NM_000051.3); c.8823_8824del, p.Gln2942fs (NM_001351834.2); c.640+31075_640+31076del (NM_001330368.2); c.695-19553_695-19552del (NM_001351110.2); short protein forms Q2942fs.
Identifiers: ClinVar variation 478990 (VCV000478990.22), dbSNP rs1555143538, ClinGen allele CA658656274.

ClinVar aggregate classification (germline): Pathogenic/Likely pathogenic. Review status: criteria provided, multiple submitters, no conflicts (2 of 4 stars). 7 submissions from 7 submitters: Pathogenic (5); Likely pathogenic (2). Last evaluated 2026-01-19.

Conditions:
ATM-related disorder. Also called: ATM-related disorders; ATM-related condition.
Hereditary cancer-predisposing syndrome. Also called: Neoplastic Syndromes, Hereditary; Hereditary Cancer Syndrome; Tumor predisposition; Hereditary neoplastic syndrome. Identifiers: Orphanet 140162, MedGen C0027672, MeSH D009386, MONDO:0015356.
Familial cancer of breast. Also called: Hereditary breast cancer; BREAST CANCER, FAMILIAL; hereditary breast carcinoma. Identifiers: Orphanet 227535, MedGen C0346153, MONDO:0016419, OMIM 114480. Disease mechanism: loss of function.
Ataxia-telangiectasia syndrome (AT). Also called: LOUIS-BAR SYNDROME; Cerebello-oculocutaneous telangiectasia; Immunodeficiency with ataxia telangiectasia; Ataxia-telangiectasia, complementation group D; AT, COMPLEMENTATION GROUP C; Ataxia-telangiectasia, complementation group E. Identifiers: Orphanet 100, MedGen C0004135, MONDO:0008840, OMIM 208900.

Submissions (7):

Labcorp Genetics (formerly Invitae), Labcorp
Classification: Pathogenic for Ataxia-telangiectasia syndrome. Last evaluated: 2026-01-19. Review status: criteria provided, single submitter. Criteria: Invitae Variant Classification Sherloc (09022015). Collection method: clinical testing. Allele origin: germline.
Comment: This sequence change creates a premature translational stop signal (p.Gln2942Glyfs*13) in the ATM gene. It is expected to result in an absent or disrupted protein product. Loss-of-function variants in ATM are known to be pathogenic (PMID: 23807571, 25614872). This variant is not present in population databases (gnomAD no frequency). This premature translational stop signal has been observed in individual(s) with breast cancer (PMID: 30426508). ClinVar contains an entry for this variant (Variation ID: 478990). For these reasons, this variant has been classified as Pathogenic.

Center for Genomic Medicine, Rigshospitalet, Copenhagen University Hospital
Classification: Pathogenic. Last evaluated: 2025-03-04. Review status: criteria provided, single submitter. Criteria: ACMG Guidelines, 2015. Collection method: clinical testing. Allele origin: germline.

Clinical Genetics Laboratory, Skane University Hospital Lund
Classification: Likely pathogenic. Last evaluated: 2024-03-19. Review status: criteria provided, single submitter. Criteria: ACMG Guidelines, 2015. Collection method: clinical testing. Allele origin: germline. Affected: yes.

Myriad Genetics, Inc.
Classification: Pathogenic for Familial cancer of breast. Last evaluated: 2024-02-05. Review status: criteria provided, single submitter. Criteria: Myriad Autosomal Dominant, Autosomal Recessive and X-Linked Classification Criteria (2023). Collection method: clinical testing. Allele origin: unknown.
Comment: This variant is considered pathogenic. This variant creates a frameshift predicted to result in premature protein truncation.

Ambry Genetics
Classification: Pathogenic for Hereditary cancer-predisposing syndrome. Last evaluated: 2023-06-09. Review status: criteria provided, single submitter. Criteria: Ambry Variant Classification Scheme 2023. Collection method: clinical testing. Allele origin: germline.
Comment: The c.8823_8824delTC pathogenic mutation, located in coding exon 60 of the ATM gene, results from a deletion of two nucleotides at nucleotide positions 8823 to 8824, causing a translational frameshift with a predicted alternate stop codon (p.Q2942Gfs*13). In addition to the clinical data presented in the literature, this alteration is expected to result in loss of function by premature protein truncation or nonsense-mediated mRNA decay. As such, this alteration is interpreted as a disease-causing mutation.

PreventionGenetics, part of Exact Sciences
Classification: Pathogenic for ATM-related condition. Last evaluated: 2023-01-12. Review status: criteria provided, single submitter. Criteria: ACMG Guidelines, 2015. Collection method: clinical testing. Allele origin: germline.
Comment: The ATM c.8823_8824delTC variant is predicted to result in a frameshift and premature protein termination (p.Gln2942Glyfs*13). This variant has not been reported in a large population database, indicating this variant is rare. This variant is interpreted as pathogenic in ClinVar. Frameshift variants in ATM are expected to be pathogenic. This variant is interpreted as pathogenic.

Baylor Genetics
Classification: Likely pathogenic for Familial cancer of breast. Last evaluated: 2021-04-06. Review status: criteria provided, single submitter. Criteria: ACMG Guidelines, 2015. Collection method: clinical testing. Allele origin: unknown.

Literature cited by the submitters: PubMed 23807571 (cited by Labcorp Genetics (formerly Invitae), Labcorp); PubMed 25614872 (cited by Labcorp Genetics (formerly Invitae), Labcorp); PubMed 30426508 (cited by 3 submitters).